The following is an entry in ClinVar:

NM_000092.5(COL4A4):c.4924C>T (p.His1642Tyr)

Gene: COL4A4 (collagen type IV alpha 4 chain; minus strand). Cytogenetic location: 2q36.3.
Variant type: single nucleotide variant.
Coding change: c.4924C>T on transcript NM_000092.5 (MANE Select); coding-DNA position 4924, C replaced by T.
Protein change: p.His1642Tyr; replaces histidine 1642 with tyrosine.
Molecular consequence: missense variant.
Genome position (GRCh38, 1-based): chr2:227,007,474, G>A on the plus strand (C>T on the coding strand, the complement: COL4A4 is on the minus strand). VCF-style: chr2-227007474-G-A. GRCh37 (hg19) VCF-style: chr2-227872190-G-A.
Other names: short protein forms H1642Y.
Identifiers: ClinVar variation 896979 (VCV000896979.17), dbSNP rs200450557, ClinGen allele CA2144019.

ClinVar aggregate classification (germline): Conflicting classifications of pathogenicity. Review status: criteria provided, conflicting classifications (1 of 4 stars). 8 submissions from 8 submitters: Uncertain significance (6); Likely benign (2). Last evaluated 2026-01-06.

Conditions:
Autosomal recessive Alport syndrome (ATS2). Also called: ALPORT SYNDROME 2, AUTOSOMAL RECESSIVE; COL4A4 Alport Syndrome and Thin Basement Membrane Nephropathy; Alport syndrome type 2; COL4A3-Related Nephropathy. Identifiers: Orphanet 63, Orphanet 88919, MedGen C4746745, MONDO:0008762, OMIM 203780.
Hematuria, benign familial, 1 (BFH1). Also called: THIN MEMBRANE NEPHROPATHY. Identifiers: MedGen CN376803, MONDO:0007709, OMIM 141200.
Alport syndrome. Also called: Hemorrhagic familial nephritis; Hemorrhagic hereditary nephritis; Congenital hereditary hematuria. Identifiers: Orphanet 63, MedGen C1567741, MONDO:0018965.
COL4A4-related disorder.

Allele frequency attached by ClinVar (database versions not stated): ExAC 0.00005; gnomAD exomes 0.00007 and 0.00013; ESP Exome Variant Server 0.00008; gnomAD 0.00015 and 0.00016; TOPMed 0.00017.

Submissions (8):

GeneDx
Classification: Uncertain significance. Last evaluated: 2026-01-06. Review status: criteria provided, single submitter. Criteria: GeneDx Variant Classification Process June 2021. Collection method: clinical testing. Allele origin: germline. Affected: yes.
Comment: Identified in additional patients with hematuria or thin basement membrane nephropathy referred for genetic testing at GeneDx; Observed in an individual with blindness in published literature (PMID: 32483926); however, patient-specific clinical information was not provided; In silico analysis supports that this missense variant has a deleterious effect on protein structure/function; This variant is associated with the following publications: (PMID: 32483926)

Labcorp Genetics (formerly Invitae), Labcorp
Classification: Likely benign. Last evaluated: 2025-12-29. Review status: criteria provided, single submitter. Criteria: Invitae Variant Classification Sherloc (09022015). Collection method: clinical testing. Allele origin: germline.

PreventionGenetics, part of Exact Sciences
Classification: Uncertain significance for COL4A4-related condition. Last evaluated: 2024-12-30. Review status: criteria provided, single submitter. Criteria: ACMG Guidelines, 2015. Collection method: clinical testing. Allele origin: germline.
Comment: The COL4A4 c.4924C>T variant is predicted to result in the amino acid substitution p.His1642Tyr. This variant has been reported as a variant of uncertain significance in an individual with inherited retinal disease (Table S12, Diñeiro et al. 2020. PubMed ID: 32483926). This variant is reported in 0.019% of alleles in individuals of Ashkenazi Jewish descent in gnomAD. At this time, the clinical significance of this variant is uncertain due to the absence of conclusive functional and genetic evidence.

Blueprint Genetics
Classification: Uncertain significance. Last evaluated: 2024-11-20. Review status: criteria provided, single submitter. Criteria: ACMG Guidelines, 2015. Collection method: clinical testing. Allele origin: germline.

Fulgent Genetics
Classification: Likely benign for Hematuria, benign familial, 1; Autosomal recessive Alport syndrome. Last evaluated: 2024-02-22. Review status: criteria provided, single submitter. Criteria: ACMG Guidelines, 2015. Collection method: clinical testing. Allele origin: germline.

Baylor Genetics
Classification: Uncertain significance for Autosomal recessive Alport syndrome. Last evaluated: 2020-06-10. Review status: criteria provided, single submitter. Criteria: ACMG Guidelines, 2015. Collection method: clinical testing. Allele origin: unknown. Affected: yes.
Comment: This variant was determined to be of uncertain significance according to ACMG Guidelines, 2015 [PMID:25741868].

Illumina Laboratory Services, Illumina
Classification: Uncertain significance for Alport syndrome. Last evaluated: 2018-01-13. Review status: criteria provided, single submitter. Criteria: ICSL Variant Classification Criteria 13 December 2019. Collection method: clinical testing. Allele origin: germline.

Breakthrough Genomics
Classification: Uncertain significance. Review status: criteria provided, single submitter. Criteria: ACMG Guidelines, 2015. Collection method: not provided. Allele origin: germline. Inheritance: Autosomal recessive inheritance. Affected: yes.